The following is an entry in ClinVar:

NM_000038.6(APC):c.7291_7294del (p.Arg2431fs)

Gene: APC (APC regulator of Wnt signaling pathway; plus strand). Cytogenetic location: 5q22.2.
Variant type: Deletion.
Coding change: c.7291_7294del on transcript NM_000038.6 (MANE Select); coding-DNA positions 7291 to 7294, 4 bases deleted (AGAT; older notation c.7291_7294delAGAT).
Protein change: p.Arg2431fs; shifts the reading frame from arginine 2431.
Molecular consequence: frameshift variant.
Genome position (GRCh38, 1-based): chr5:112,842,885-112,842,888, AGAT deleted; deleting any 4 consecutive bases within chr5:112,842,882-112,842,888 gives the same sequence; the c. name uses the placement nearest the transcript's 3' end. VCF-style (leftmost placement, unchanged base first): chr5-112842881-TGATA-T. GRCh37 (hg19) VCF-style: chr5-112178578-TGATA-T.
Other names: c.7291_7294del, p.Arg2431fs (NM_001127510.3, NM_001354895.2); c.7237_7240del, p.Arg2413fs (NM_001127511.3); c.7345_7348del, p.Arg2449fs (NM_001354896.2); c.7321_7324del, p.Arg2441fs (NM_001354897.2); c.7216_7219del, p.Arg2406fs (NM_001354898.2); c.7207_7210del, p.Arg2403fs (NM_001354899.2); c.7168_7171del, p.Arg2390fs (NM_001354900.2); c.7114_7117del, p.Arg2372fs (NM_001354901.2); and 16 more; short protein forms R2403fs, R2413fs, R2441fs, R2148fs, R2305fs, R2330fs, R2340fs, R2271fs.
Identifiers: ClinVar variation 2135772 (VCV002135772.4), dbSNP rs2533782218, ClinGen allele CA2580072375.
Genomic context (GRCh38, chr5:112,842,881, plus strand): 5'-AGCCAATAAAAAGGTAGAACTTTCTAGAATGTCTTCAACTAAATCAAGTGGAAGTGAATC[TGATA>T]GATCAGAAAGACCTGTATTAGTACGCCAGTCAACTTTCATCAAAGAAGCTCCAAGCCCAA-3'

ClinVar aggregate classification (germline): Pathogenic (1 of 4 stars; one submission).

Conditions:
Familial adenomatous polyposis 1 (FAP1). Also called: POLYPOSIS, ADENOMATOUS INTESTINAL; FAMILIAL ADENOMATOUS POLYPOSIS 1, ATTENUATED. Identifiers: MedGen C2713442, MONDO:0021056, OMIM 175100. Disease mechanism: loss of function.

Submission:

Labcorp Genetics (formerly Invitae), Labcorp
Classification: Pathogenic for Familial adenomatous polyposis 1. Last evaluated: 2022-05-09. Review status: criteria provided, single submitter. Criteria: Invitae Variant Classification Sherloc (09022015). Collection method: clinical testing. Allele origin: germline.
Comment: This sequence change creates a premature translational stop signal (p.Arg2431Glnfs*6) in the APC gene. While this is not anticipated to result in nonsense mediated decay, it is expected to disrupt the last 413 amino acid(s) of the APC protein. This variant is not present in population databases (gnomAD no frequency). This variant has not been reported in the literature in individuals affected with APC-related conditions. This variant is expected to disrupt the EB1 and HDLG binding sites, which mediate interactions with the cytoskeleton (PMID: 15311282, 17293347). While functional studies have not been performed to directly test the effect on APC protein function, this suggests that disruption of the C-terminal portion of the protein is functionally important. A different truncation (p.Tyr2645Lysfs*14) that lies downstream of this variant has been determined to be pathogenic (PMID: 9824584, 1316610, 27081525, 8381579, 22135120, Invitae). This suggests that deletion of this region of the APC protein is causative of disease. For these reasons, this variant has been classified as Pathogenic.

Literature cited by the submitters: PubMed 15311282; PubMed 17293347; PubMed 9824584; PubMed 1316610; PubMed 27081525; PubMed 8381579; PubMed 22135120.